The following is an entry in ClinVar:

ClinVar aggregate classification (germline): Pathogenic. Review status: reviewed by expert panel (3 of 4 stars). 2 submissions from 2 submitters: Pathogenic (1). 1 of the submissions does not count toward it. Last evaluated 2017-12-15.

Conditions:
Breast-ovarian cancer, familial, susceptibility to, 1 (BROVCA1). Also called: OVARIAN CANCER, SUSCEPTIBILITY TO; BRCA1 Hereditary Breast and Ovarian Cancer. Identifiers: Orphanet 145, MedGen C2676676, MONDO:0011450, OMIM 604370. Disease mechanism: loss of function.
Familial cancer of breast. Also called: Hereditary breast cancer; hereditary breast carcinoma; BREAST CANCER, FAMILIAL. Identifiers: Orphanet 227535, MedGen C0346153, MONDO:0016419, OMIM 114480. Disease mechanism: loss of function.

Submissions (2):

Evidence-based Network for the Interpretation of Germline Mutant Alleles (ENIGMA)
Classification: Pathogenic for Breast-ovarian cancer, familial, susceptibility to, 1. Last evaluated: 2017-12-15. Review status: reviewed by expert panel. Criteria: ENIGMA BRCA1/2 Classification Criteria (2017-06-29). Collection method: curation. Allele origin: germline. Study: ENIGMA.
Comment: Variant allele predicted to encode a truncated non-functional protein.

ClinVar Staff, National Center for Biotechnology Information (NCBI)
No classification provided. Condition: Familial cancer of breast. Review status: no classification provided. Collection method: literature only. Allele origin: germline. Affected: yes. Not counted in ClinVar's aggregate classification.

Literature cited by the submitters: PubMed 9510469 (cited by ClinVar Staff, National Center for Biotechnology Information (NCBI)).

NM_007294.4(BRCA1):c.2556del (p.Asp853fs)

Gene: BRCA1 (BRCA1 DNA repair associated; minus strand). Cytogenetic location: 17q21.31.
Variant type: Deletion.
Coding change: c.2556del on transcript NM_007294.4 (MANE Select); coding-DNA position 2556, one base deleted (T; older notation c.2556delT).
Protein change: p.Asp853fs; shifts the reading frame from aspartic acid 853.
Molecular consequence: frameshift variant. On other transcripts: intron variant (137).
Genome position (GRCh38, 1-based): chr17:43,092,975, A deleted on the plus strand (T on the coding strand, the reverse complement: BRCA1 is on the minus strand); the first of 2 consecutive A bases (chr17:43,092,975-43,092,976); deleting either gives the same sequence. VCF-style (leftmost placement, unchanged base first): chr17-43092974-CA-C. GRCh37 (hg19) VCF-style: chr17-41244991-CA-C.
Other names: c.2556delT (NM_007294.3); c.2412del, p.Asp805fs (NM_001407741.1, NM_001407742.1, NM_001407743.1 and 20 more transcripts); c.2415del, p.Asp806fs (NM_001407750.1, NM_001407751.1, NM_001407752.1 and 29 more transcripts); c.2343del, p.Asp782fs (NM_001407853.1, NM_001407894.1, NM_001407895.1 and 9 more transcripts); c.2556del, p.Asp853fs (NM_001407854.1, NM_001407858.1, NM_001407859.1 and 30 more transcripts); c.2553del, p.Asp852fs (NM_001407860.1, NM_001407861.1, NM_001407587.1 and 22 more transcripts); c.2355del, p.Asp786fs (NM_001407862.1); c.2433del, p.Asp812fs (NM_001407863.1, NM_001407919.1, NM_001407937.1 and 19 more transcripts); and 42 more; short protein forms D806fs, D853fs, D783fs, D805fs, D685fs, D764fs, D782fs, D785fs.
Identifiers: ClinVar variation 54597 (VCV000054597.3), dbSNP rs397508978, ClinGen allele CA001683.